The following is an entry in ClinVar:

ClinVar aggregate classification (germline): Conflicting classifications of pathogenicity. Review status: criteria provided, conflicting classifications (1 of 4 stars). 4 submissions from 4 submitters: Pathogenic (1); Uncertain significance (3). Last evaluated 2026-01-27.

Conditions:
Cardiovascular phenotype. Identifiers: MedGen CN230736.
Dilated cardiomyopathy 1DD (CMD1DD). Identifiers: Orphanet 154, MedGen C2750995, MONDO:0013168, OMIM 613172.

Allele frequency attached by ClinVar (database versions not stated): TOPMed below 0.00001; gnomAD 0.00001; gnomAD exomes 0.00004.

Submissions (4):

Labcorp Genetics (formerly Invitae), Labcorp
Classification: Pathogenic for Dilated cardiomyopathy 1DD. Last evaluated: 2026-01-27. Review status: criteria provided, single submitter. Criteria: Invitae Variant Classification Sherloc (09022015). Collection method: clinical testing. Allele origin: germline.
Comment: This sequence change creates a premature translational stop signal (p.Leu120Argfs*18) in the RBM20 gene. It is expected to result in an absent or disrupted protein product. Loss-of-function variants in RBM20 are known to be pathogenic (PMID: 20590677, 22004663, 38288598, 38510713, 40339755). This variant is present in population databases (no rsID available, gnomAD 0.007%). This premature translational stop signal has been observed in individual(s) with atrial fibrillation (PMID: 38510713). ClinVar contains an entry for this variant (Variation ID: 946013). For these reasons, this variant has been classified as Pathogenic.

Ambry Genetics
Classification: Uncertain significance for Cardiovascular phenotype. Last evaluated: 2025-12-09. Review status: criteria provided, single submitter. Criteria: Ambry Variant Classification Scheme 2023. Collection method: clinical testing. Allele origin: germline.
Comment: The c.359delT variant, located in coding exon 2 of the RBM20 gene, results from a deletion of one nucleotide at nucleotide position 359, causing a translational frameshift with a predicted alternate stop codon (p.L120Rfs*18). This alteration is expected to result in loss of function by premature protein truncation or nonsense-mediated mRNA decay. However, loss of function of RBM20 has not been clearly established as a mechanism of disease. Since supporting evidence is limited at this time, the clinical significance of this alteration remains unclear.

GeneDx
Classification: Uncertain significance. Last evaluated: 2025-02-16. Review status: criteria provided, single submitter. Criteria: GeneDx Variant Classification Process June 2021. Collection method: clinical testing. Allele origin: germline. Affected: yes.
Comment: Frameshift variant predicted to result in protein truncation or nonsense mediated decay in a gene or region of a gene for which loss of function is not a well-established mechanism of disease; Not observed at significant frequency in large population cohorts (gnomAD); Has not been previously published as pathogenic or benign in association with an RBM20 phenotype to our knowledge; This variant is associated with the following publications: (PMID: 38510713)

Fulgent Genetics
Classification: Uncertain significance for Dilated cardiomyopathy 1DD. Last evaluated: 2021-09-22. Review status: criteria provided, single submitter. Criteria: ACMG Guidelines, 2015. Collection method: clinical testing. Allele origin: unknown.

Literature cited by the submitters: PubMed 20590677 (cited by Labcorp Genetics (formerly Invitae), Labcorp); PubMed 22004663 (cited by Labcorp Genetics (formerly Invitae), Labcorp); PubMed 38288598 (cited by Labcorp Genetics (formerly Invitae), Labcorp); PubMed 38510713 (cited by Labcorp Genetics (formerly Invitae), Labcorp); PubMed 40339755 (cited by Labcorp Genetics (formerly Invitae), Labcorp).

NM_001134363.3(RBM20):c.359del (p.Leu120fs)

Gene: RBM20 (RNA binding motif protein 20; plus strand). Cytogenetic location: 10q25.2.
Variant type: Deletion.
Coding change: c.359del on transcript NM_001134363.3 (MANE Select); coding-DNA position 359, one base deleted (T; older notation c.359delT).
Protein change: p.Leu120fs; shifts the reading frame from leucine 120.
Molecular consequence: frameshift variant.
Genome position (GRCh38, 1-based): chr10:110,780,968, T deleted. VCF-style (leftmost placement, unchanged base first): chr10-110780967-CT-C. GRCh37 (hg19) VCF-style: chr10-112540725-CT-C.
Other names: c.359del (NM_001134363.1); c.359delT (NM_001134363.1); short protein forms L120fs.
Identifiers: ClinVar variation 946013 (VCV000946013.12), dbSNP rs1173576141, ClinGen allele CA596112230.